The following is an entry in ClinVar:

ClinVar aggregate classification (germline): Pathogenic/Likely pathogenic. Review status: criteria provided, multiple submitters, no conflicts (2 of 4 stars). 2 submissions from 2 submitters: Pathogenic (1); Likely pathogenic (1). Last evaluated 2023-05-25.

Conditions:
Juvenile polyposis syndrome (JPS). Identifiers: Orphanet 2929, MedGen C0345893, MONDO:0017380, OMIM 174900.

Submissions (2):

Myriad Genetics, Inc.
Classification: Pathogenic for Juvenile polyposis syndrome. Last evaluated: 2023-05-25. Review status: criteria provided, single submitter. Criteria: Myriad Autosomal Dominant, Autosomal Recessive and X-Linked Classification Criteria (2023). Collection method: clinical testing. Allele origin: unknown.
Comment: This variant is considered pathogenic. This variant creates a frameshift predicted to result in premature protein truncation.

Quest Diagnostics Nichols Institute San Juan Capistrano
Classification: Likely pathogenic. Last evaluated: 2018-06-13. Review status: criteria provided, single submitter. Criteria: Quest Diagnostics criteria. Collection method: clinical testing. Allele origin: germline.

NM_004329.3(BMPR1A):c.39del (p.Tyr14fs)

Gene: BMPR1A (bone morphogenetic protein receptor type 1A; plus strand). Cytogenetic location: 10q23.2.
Variant type: Deletion.
Coding change: c.39del on transcript NM_004329.3 (MANE Select); coding-DNA position 39, one base deleted (C; older notation c.39delC).
Protein change: p.Tyr14fs; shifts the reading frame from tyrosine 14.
Molecular consequence: frameshift variant.
Genome position (GRCh38, 1-based): chr10:86,876,057, C deleted; the last of 2 consecutive C bases (chr10:86,876,056-86,876,057); deleting either gives the same sequence. VCF-style (leftmost placement, unchanged base first): chr10-86876055-GC-G. GRCh37 (hg19) VCF-style: chr10-88635812-GC-G.
Other names: short protein forms Y14fs.
Identifiers: ClinVar variation 619782 (VCV000619782.4), dbSNP rs1564710641, ClinGen allele CA913189690.